The following is an entry in ClinVar:

NM_001042492.3(NF1):c.4907C>A (p.Ala1636Glu)

Gene: NF1 (neurofibromin 1; plus strand). Cytogenetic location: 17q11.2.
Variant type: single nucleotide variant.
Coding change: c.4907C>A on transcript NM_001042492.3 (MANE Select); coding-DNA position 4907, C replaced by A.
Protein change: p.Ala1636Glu; replaces alanine 1636 with glutamic acid.
Molecular consequence: missense variant.
Genome position (GRCh38, 1-based): chr17:31,325,891, C>A. VCF-style: chr17-31325891-C-A. GRCh37 (hg19) VCF-style: chr17-29652909-C-A.
Other names: c.4844C>A, p.Ala1615Glu (NM_000267.4); short protein forms A1615E, A1636E.
Identifiers: ClinVar variation 5025541 (VCV005025541.1).

ClinVar aggregate classification (germline): Uncertain significance (1 of 4 stars; one submission).

Conditions:
Cardiovascular phenotype. Identifiers: MedGen CN230736.
Hereditary cancer-predisposing syndrome. Also called: Neoplastic Syndromes, Hereditary; Tumor predisposition; Hereditary neoplastic syndrome; Hereditary Cancer Syndrome. Identifiers: Orphanet 140162, MedGen C0027672, MeSH D009386, MONDO:0015356.

Submission:

Ambry Genetics
Classification: Uncertain significance for Cardiovascular phenotype; Hereditary cancer-predisposing syndrome. Last evaluated: 2026-06-25. Review status: criteria provided, single submitter. Criteria: Ambry Variant Classification Scheme 2023. Collection method: clinical testing. Allele origin: germline.
Comment: The p.A1615E variant (also known as c.4844C>A), located in coding exon 36 of the NF1 gene, results from a C to A substitution at nucleotide position 4844. The alanine at codon 1615 is replaced by glutamic acid, an amino acid with dissimilar properties. This amino acid position is conserved. In addition, the in silico prediction for this alteration is inconclusive. Based on the available evidence, the clinical significance of this variant remains unclear.